The following is an entry in ClinVar:

NM_020778.5(ALPK3):c.523T>C (p.Tyr175His)

Gene: ALPK3 (alpha kinase 3; plus strand). Cytogenetic location: 15q25.3.
Variant type: single nucleotide variant.
Coding change: c.523T>C on transcript NM_020778.5 (MANE Select); coding-DNA position 523, T replaced by C.
Protein change: p.Tyr175His; replaces tyrosine 175 with histidine.
Molecular consequence: missense variant.
Genome position (GRCh38, 1-based): chr15:84,839,802, T>C. VCF-style: chr15-84839802-T-C. GRCh37 (hg19) VCF-style: chr15-85383033-T-C.
Other names: short protein forms Y175H.
Identifiers: ClinVar variation 4742515 (VCV004742515.1).

ClinVar aggregate classification (germline): Uncertain significance (1 of 4 stars; one submission).

Submission:

Labcorp Genetics (formerly Invitae), Labcorp
Classification: Uncertain significance. Last evaluated: 2025-02-26. Review status: criteria provided, single submitter. Criteria: Invitae Variant Classification Sherloc (09022015). Collection method: clinical testing. Allele origin: germline.
Comment: This sequence change replaces tyrosine, which is neutral and polar, with histidine, which is basic and polar, at codon 377 of the ALPK3 protein (p.Tyr377His). This variant is not present in population databases (gnomAD no frequency). This variant has not been reported in the literature in individuals affected with ALPK3-related conditions. Invitae Evidence Modeling of protein sequence and biophysical properties (such as structural, functional, and spatial information, amino acid conservation, physicochemical variation, residue mobility, and thermodynamic stability) indicates that this missense variant is expected to disrupt ALPK3 protein function with a positive predictive value of 80%. In summary, the available evidence is currently insufficient to determine the role of this variant in disease. Therefore, it has been classified as a Variant of Uncertain Significance.